The following is an entry in ClinVar:

NM_032043.3(BRIP1):c.1256G>C (p.Arg419Pro)

Gene: BRIP1 (BRCA1 interacting DNA helicase 1; minus strand). Cytogenetic location: 17q23.2.
Variant type: single nucleotide variant.
Coding change: c.1256G>C on transcript NM_032043.3 (MANE Select); coding-DNA position 1256, G replaced by C.
Protein change: p.Arg419Pro; replaces arginine 419 with proline.
Molecular consequence: missense variant.
Genome position (GRCh38, 1-based): chr17:61,799,184, C>G on the plus strand (G>C on the coding strand, the complement: BRIP1 is on the minus strand). VCF-style: chr17-61799184-C-G. GRCh37 (hg19) VCF-style: chr17-59876545-C-G.
Other names: short protein forms R419P.
Identifiers: ClinVar variation 1980228 (VCV001980228.5), dbSNP rs748105919, ClinGen allele CA400483592.

ClinVar aggregate classification (germline): Uncertain significance. Review status: criteria provided, multiple submitters, no conflicts (2 of 4 stars). 2 submissions from 2 submitters: Uncertain significance (2). Last evaluated 2023-10-23.

Conditions:
Familial cancer of breast. Also called: hereditary breast carcinoma; BREAST CANCER, FAMILIAL; Hereditary breast cancer. Identifiers: Orphanet 227535, MedGen C0346153, MONDO:0016419, OMIM 114480. Disease mechanism: loss of function.
Fanconi anemia complementation group J. Also called: BRIP1-Related Fanconi Anemia. Identifiers: Orphanet 84, MedGen C1836860, MONDO:0012187, OMIM 609054.

Submissions (2):

Baylor Genetics
Classification: Uncertain significance for Familial cancer of breast. Last evaluated: 2023-10-23. Review status: criteria provided, single submitter. Criteria: ACMG Guidelines, 2015. Collection method: clinical testing. Allele origin: unknown.

Labcorp Genetics (formerly Invitae), Labcorp
Classification: Uncertain significance for Familial cancer of breast; Fanconi anemia complementation group J. Last evaluated: 2022-03-14. Review status: criteria provided, single submitter. Criteria: Invitae Variant Classification Sherloc (09022015). Collection method: clinical testing. Allele origin: germline.
Comment: This sequence change replaces arginine, which is basic and polar, with proline, which is neutral and non-polar, at codon 419 of the BRIP1 protein (p.Arg419Pro). This variant is not present in population databases (gnomAD no frequency). This variant has not been reported in the literature in individuals affected with BRIP1-related conditions. Algorithms developed to predict the effect of missense changes on protein structure and function (SIFT, PolyPhen-2, Align-GVGD) all suggest that this variant is likely to be disruptive. In summary, the available evidence is currently insufficient to determine the role of this variant in disease. Therefore, it has been classified as a Variant of Uncertain Significance.